The following is an entry in ClinVar:

ClinVar aggregate classification (germline): Uncertain significance (1 of 4 stars; one submission).

Conditions:
Emery-Dreifuss muscular dystrophy 4, autosomal dominant (EDMD4). Also called: EMERY-DREIFUSS MUSCULAR DYSTROPHY 4 WITH VARIABLE FEATURES. Identifiers: Orphanet 261, MedGen C2751807, MONDO:0013071, OMIM 612998.
Autosomal recessive ataxia, Beauce type. Also called: Spinocerebellar ataxia, autosomal recessive 8; ATAXIA, RECESSIVE, OF BEAUCE; SYNE1 Deficiency; SYNE1-Related Autosomal Recessive Cerebellar Ataxia. Identifiers: Orphanet 88644, MedGen C1853116, MONDO:0012549, OMIM 610743.

Allele frequency attached by ClinVar (database versions not stated): gnomAD 0.00001; gnomAD exomes 0.00001; TOPMed 0.00001.
gnomAD v4.1: 4 of 1,614,040 alleles (0.00025%); highest among the groups gnomAD compares: African/African-American, 0.0027%; no homozygotes.

Submission:

Labcorp Genetics (formerly Invitae), Labcorp
Classification: Uncertain significance for Emery-Dreifuss muscular dystrophy 4, autosomal dominant; Autosomal recessive ataxia, Beauce type. Last evaluated: 2025-12-15. Review status: criteria provided, single submitter. Criteria: Invitae Variant Classification Sherloc (09022015). Collection method: clinical testing. Allele origin: germline.
Comment: This sequence change replaces serine, which is neutral and polar, with asparagine, which is neutral and polar, at codon 2701 of the SYNE1 protein (p.Ser2701Asn). This variant is not present in population databases (gnomAD no frequency). This variant has not been reported in the literature in individuals affected with SYNE1-related conditions. ClinVar contains an entry for this variant (Variation ID: 1429711). An algorithm developed to predict the effect of missense changes on protein structure and function (PolyPhen-2) suggests that this variant is likely to be tolerated. In summary, the available evidence is currently insufficient to determine the role of this variant in disease. Therefore, it has been classified as a Variant of Uncertain Significance.

NM_182961.4(SYNE1):c.8081G>A (p.Ser2694Asn)

Gene: SYNE1 (spectrin repeat containing nuclear envelope protein 1; minus strand). Cytogenetic location: 6q25.2.
Variant type: single nucleotide variant.
Coding change: c.8081G>A on transcript NM_182961.4 (MANE Select); coding-DNA position 8081, G replaced by A.
Protein change: p.Ser2694Asn; replaces serine 2694 with asparagine.
Molecular consequence: missense variant.
Genome position (GRCh38, 1-based): chr6:152,390,376, C>T on the plus strand (G>A on the coding strand, the complement: SYNE1 is on the minus strand). VCF-style: chr6-152390376-C-T. GRCh37 (hg19) VCF-style: chr6-152711511-C-T.
Other names: c.8102G>A, p.Ser2701Asn (NM_033071.5); short protein forms S2694N, S2701N.
Identifiers: ClinVar variation 1429711 (VCV001429711.8), dbSNP rs1241632741, ClinGen allele CA366105866.